The following is an entry in ClinVar:

ClinVar aggregate classification (germline): Uncertain significance (1 of 4 stars; one submission).

Conditions:
Hereditary cancer-predisposing syndrome. Also called: Neoplastic Syndromes, Hereditary; Tumor predisposition; Hereditary neoplastic syndrome; Hereditary Cancer Syndrome. Identifiers: Orphanet 140162, MedGen C0027672, MeSH D009386, MONDO:0015356.

Submission:

Ambry Genetics
Classification: Uncertain significance for Hereditary cancer-predisposing syndrome. Last evaluated: 2022-12-26. Review status: criteria provided, single submitter. Criteria: Ambry Variant Classification Scheme 2023. Collection method: clinical testing. Allele origin: germline.
Comment: The p.L682P variant (also known as c.2045T>C), located in coding exon 13 of the NBN gene, results from a T to C substitution at nucleotide position 2045. The leucine at codon 682 is replaced by proline, an amino acid with similar properties. This amino acid position is conserved. In addition, this alteration is predicted to be tolerated by in silico analysis. Since supporting evidence is limited at this time, the clinical significance of this alteration remains unclear.

NM_002485.5(NBN):c.2045T>C (p.Leu682Pro)

Gene: NBN (nibrin; minus strand). Cytogenetic location: 8q21.3.
Variant type: single nucleotide variant.
Coding change: c.2045T>C on transcript NM_002485.5 (MANE Select); coding-DNA position 2045, T replaced by C.
Protein change: p.Leu682Pro; replaces leucine 682 with proline.
Molecular consequence: missense variant.
Genome position (GRCh38, 1-based): chr8:89,946,165, A>G on the plus strand (T>C on the coding strand, the complement: NBN is on the minus strand). VCF-style: chr8-89946165-A-G. GRCh37 (hg19) VCF-style: chr8-90958393-A-G.
Other names: c.1799T>C, p.Leu600Pro (NM_001024688.3); short protein forms L682P, L600P.
Identifiers: ClinVar variation 2452397 (VCV002452397.2), dbSNP rs2130763732, ClinGen allele CA371676371.